The following is an entry in ClinVar:

NM_052947.4(ALPK2):c.272A>G (p.Asn91Ser)

Gene: ALPK2 (alpha kinase 2; minus strand). Cytogenetic location: 18q21.31.
Variant type: single nucleotide variant.
Coding change: c.272A>G on transcript NM_052947.4 (MANE Select); coding-DNA position 272, A replaced by G.
Protein change: p.Asn91Ser; replaces asparagine 91 with serine.
Molecular consequence: missense variant.
Genome position (GRCh38, 1-based): chr18:58,580,504, T>C on the plus strand (A>G on the coding strand, the complement: ALPK2 is on the minus strand). VCF-style: chr18-58580504-T-C. GRCh37 (hg19) VCF-style: chr18-56247736-T-C.
Other names: short protein forms N91S.
Identifiers: ClinVar variation 2450929 (VCV002450929.2), dbSNP rs769220752, ClinGen allele CA402568346.

ClinVar aggregate classification (germline): Uncertain significance (1 of 4 stars; one submission).

gnomAD v4.1: 1 of 1,613,286 alleles (0.000062%); highest among the groups gnomAD compares: Non-Finnish European, 0.000085%; no homozygotes.

Submission:

Ambry Genetics
Classification: Uncertain significance. Last evaluated: 2023-02-06. Review status: criteria provided, single submitter. Criteria: Ambry Variant Classification Scheme 2023. Collection method: clinical testing. Allele origin: germline.
Comment: The p.N91S variant (also known as c.272A>G), located in coding exon 3 of the ALPK2 gene, results from an A to G substitution at nucleotide position 272. The asparagine at codon 91 is replaced by serine, an amino acid with highly similar properties. This amino acid position is conserved. In addition, this alteration is predicted to be tolerated by in silico analysis. Since supporting evidence is limited at this time, the clinical significance of this alteration remains unclear.